The following is an entry in ClinVar:

ClinVar aggregate classification (germline): Uncertain significance (1 of 4 stars; one submission).

Conditions:
Dyskeratosis congenita, autosomal dominant 2. Identifiers: MedGen C3151443, MONDO:0013521, OMIM 613989.
Idiopathic Pulmonary Fibrosis. Also called: Idiopathic fibrosing alveolitis, chronic form; idiopathic fibrosing alveolitis. Identifiers: Orphanet 2032, MedGen C1800706, MeSH D054990, MONDO:0800504.

Submission:

Labcorp Genetics (formerly Invitae), Labcorp
Classification: Uncertain significance for Dyskeratosis congenita, autosomal dominant 2; Idiopathic Pulmonary Fibrosis. Last evaluated: 2021-06-04. Review status: criteria provided, single submitter. Criteria: Invitae Variant Classification Sherloc (09022015). Collection method: clinical testing. Allele origin: germline.
Comment: Advanced modeling of protein sequence and biophysical properties (such as structural, functional, and spatial information, amino acid conservation, physicochemical variation, residue mobility, and thermodynamic stability) performed at Invitae indicates that this missense variant is expected to disrupt TERT protein function. This variant has not been reported in the literature in individuals with TERT-related conditions. This variant is not present in population databases (ExAC no frequency). This sequence change replaces aspartic acid with asparagine at codon 860 of the TERT protein (p.Asp860Asn). The aspartic acid residue is moderately conserved and there is a small physicochemical difference between aspartic acid and asparagine. In summary, the available evidence is currently insufficient to determine the role of this variant in disease. Therefore, it has been classified as a Variant of Uncertain Significance.

NM_198253.3(TERT):c.2578G>A (p.Asp860Asn)

Gene: TERT (telomerase reverse transcriptase; minus strand). Cytogenetic location: 5p15.33.
Variant type: single nucleotide variant.
Coding change: c.2578G>A on transcript NM_198253.3 (MANE Select); coding-DNA position 2578, G replaced by A.
Protein change: p.Asp860Asn; replaces aspartic acid 860 with asparagine.
Molecular consequence: missense variant. On other transcripts: non-coding transcript variant (2).
Genome position (GRCh38, 1-based): chr5:1,268,524, C>T on the plus strand (G>A on the coding strand, the complement: TERT is on the minus strand). VCF-style: chr5-1268524-C-T. GRCh37 (hg19) VCF-style: chr5-1268639-C-T.
Other names: c.2578G>A, p.Asp860Asn (NM_001193376.3); short protein forms D860N.
Identifiers: ClinVar variation 1004785 (VCV001004785.9), dbSNP rs1748780421, ClinGen allele CA359074102.